The following is an entry in ClinVar:

ClinVar aggregate classification (germline): Likely benign (1 of 4 stars; one submission).

Conditions:
GNAS-related disorder. Identifiers: MedGen CN380105.

gnomAD v4.1: 1 of 1,045,616 alleles (0.000096%); highest among the groups gnomAD compares: African/African-American, 0.0019%; no homozygotes.

Submission:

PreventionGenetics, part of Exact Sciences
Classification: Likely benign for GNAS-related condition. Last evaluated: 2025-10-20. Review status: criteria provided, single submitter. Criteria: ACMG Guidelines, 2015. Collection method: clinical testing. Allele origin: germline.
Comment: This variant is classified as likely benign based on ACMG/AMP sequence variant interpretation guidelines (Richards et al. 2015 PMID: 25741868, with internal and published modifications).

NM_000516.7(GNAS):c.-23G>C

Gene: GNAS (GNAS complex locus; plus strand). Cytogenetic location: 20q13.32.
Variant type: single nucleotide variant.
Coding change: c.-23G>C on transcript NM_000516.7 (MANE Select); 23 bases upstream of the start codon, G replaced by C.
Molecular consequence: 5 prime UTR variant. On other transcripts: intron variant (11).
Genome position (GRCh38, 1-based): chr20:58,891,704, G>C. VCF-style: chr20-58891704-G-C. GRCh37 (hg19) VCF-style: chr20-57466759-G-C.
Other names: c.-23G>C (NM_001077488.5, NM_001077489.4, NM_001309842.2 and 1 more transcripts); c.*43-3908G>C (NM_016592.5); c.44-3908G>C (NM_001410912.1); c.-38-3908G>C (NM_001309861.2); c.*1-3908G>C (NM_001077490.3); c.2069-3908G>C (NM_080425.4, NM_001410913.1); c.*159-3908G>C (NM_001309883.1); c.-39+2351G>C (NM_001438273.1, NM_001309840.2); and 1 more.
Identifiers: ClinVar variation 4983532 (VCV004983532.1).